The following is an entry in ClinVar:

ClinVar aggregate classification (germline): Uncertain significance (1 of 4 stars; one submission).

Conditions:
Adams-Oliver syndrome 4 (AOS4). Identifiers: Orphanet 974, MedGen C3809092, MONDO:0014124, OMIM 615297.

Allele frequency attached by ClinVar (database versions not stated): gnomAD exomes below 0.00001; TOPMed below 0.00001; ExAC 0.00001.
gnomAD v4.1: 2 of 1,613,204 alleles (0.00012%); highest among the groups gnomAD compares: Admixed American, 0.0033%; no homozygotes.

Submission:

Labcorp Genetics (formerly Invitae), Labcorp
Classification: Uncertain significance for Adams-Oliver syndrome 4. Last evaluated: 2022-08-19. Review status: criteria provided, single submitter. Criteria: Invitae Variant Classification Sherloc (09022015). Collection method: clinical testing. Allele origin: germline.
Comment: This sequence change replaces lysine, which is basic and polar, with arginine, which is basic and polar, at codon 117 of the EOGT protein (p.Lys117Arg). This variant is present in population databases (rs766820298, gnomAD 0.003%). This variant has not been reported in the literature in individuals affected with EOGT-related conditions. Algorithms developed to predict the effect of missense changes on protein structure and function output the following: SIFT: "Tolerated"; PolyPhen-2: "Benign"; Align-GVGD: "Class C0". The arginine amino acid residue is found in multiple mammalian species, which suggests that this missense change does not adversely affect protein function. In summary, the available evidence is currently insufficient to determine the role of this variant in disease. Therefore, it has been classified as a Variant of Uncertain Significance.

NM_001278689.2(EOGT):c.350A>G (p.Lys117Arg)

Gene: EOGT (EGF domain specific O-linked N-acetylglucosamine transferase; minus strand). Cytogenetic location: 3p14.1.
Variant type: single nucleotide variant.
Coding change: c.350A>G on transcript NM_001278689.2 (MANE Select); coding-DNA position 350, A replaced by G.
Protein change: p.Lys117Arg; replaces lysine 117 with arginine.
Molecular consequence: missense variant. On other transcripts: non-coding transcript variant (1).
Genome position (GRCh38, 1-based): chr3:69,007,783, T>C on the plus strand (A>G on the coding strand, the complement: EOGT is on the minus strand). VCF-style: chr3-69007783-T-C. GRCh37 (hg19) VCF-style: chr3-69056934-T-C.
Other names: c.350A>G, p.Lys117Arg (NM_173654.3); short protein forms K117R.
Identifiers: ClinVar variation 2156369 (VCV002156369.1), dbSNP rs766820298, ClinGen allele CA2486954.